The following is an entry in ClinVar:

NM_000441.2(SLC26A4):c.*868G>A

Gene: SLC26A4 (solute carrier family 26 member 4; plus strand). Cytogenetic location: 7q22.3.
Variant type: single nucleotide variant.
Coding change: c.*868G>A on transcript NM_000441.2 (MANE Select); 868 bases downstream of the stop codon, G replaced by A.
Molecular consequence: 3 prime UTR variant.
Genome position (GRCh38, 1-based): chr7:107,716,314, G>A. VCF-style: chr7-107716314-G-A. GRCh37 (hg19) VCF-style: chr7-107356759-G-A.
Identifiers: ClinVar variation 358515 (VCV000358515.6), dbSNP rs2712218, ClinGen allele CA10625042.

ClinVar aggregate classification (germline): Benign. Review status: criteria provided, multiple submitters, no conflicts (2 of 4 stars). 3 submissions from 2 submitters: Benign (3). Last evaluated 2018-01-12.

Conditions:
Pendred syndrome (PDS). Also called: DEAFNESS WITH GOITER; GOITER-DEAFNESS SYNDROME; HYPOTHYROIDISM, CONGENITAL, DUE TO DYSHORMONOGENESIS, 2B; THYROID DYSHORMONOGENESIS 2B; THYROID HORMONOGENESIS, GENETIC DEFECT IN, 2B; Pendred's syndrome. Identifiers: Orphanet 705, MedGen C0271829, MONDO:0010134, OMIM 274600.
Autosomal recessive nonsyndromic hearing loss 4 (DFNB4). Also called: NEUROSENSORY NONSYNDROMIC RECESSIVE DEAFNESS 4; FOXI1-Related Pendred Syndrome; KCNJ10-Related Pendred Syndrome; DEAFNESS, AUTOSOMAL RECESSIVE 4, WITH ENLARGED VESTIBULAR AQUEDUCT, DIGENIC; Nonsyndromic enlarged vestibular aqueduct (NSEVA); Deafness, autosomal recessive 4, with enlarged vestibular aqueduct. Identifiers: Orphanet 90636, MedGen C3538946, MONDO:0010933, OMIM 600791.

Allele frequency attached by ClinVar (database versions not stated): gnomAD 0.17928 and 0.19043; TOPMed 0.18161; 1000 Genomes Project 30x 0.22986; 1000 Genomes Project 0.24141.

Submissions (3):

Illumina Laboratory Services, Illumina
Classification: Benign for Pendred syndrome. Last evaluated: 2018-01-12. Review status: criteria provided, single submitter. Criteria: ICSL Variant Classification Criteria 13 December 2019. Collection method: clinical testing. Allele origin: germline.
Comment: This variant was observed in the ICSL laboratory as part of a predisposition screen in an ostensibly healthy population. It had not been previously curated by ICSL or reported in the Human Gene Mutation Database (HGMD: prior to June 1st, 2018), and was therefore a candidate for classification through an automated scoring system. Utilizing variant allele frequency, disease prevalence and penetrance estimates, and inheritance mode, an automated score was calculated to assess if this variant is too frequent to cause the disease. Based on the score and internal cut-off values, a variant classified as benign is not then subjected to further curation. The score for this variant resulted in a classification of benign for this disease.

Illumina Laboratory Services, Illumina
Classification: Benign for Autosomal recessive nonsyndromic hearing loss 4. Last evaluated: 2018-01-12. Review status: criteria provided, single submitter. Criteria: ICSL Variant Classification Criteria 13 December 2019. Collection method: clinical testing. Allele origin: germline.
Comment: the same text as in the submission from Illumina Laboratory Services, Illumina above.

Breakthrough Genomics
Classification: Benign. Review status: criteria provided, single submitter. Criteria: ACMG Guidelines, 2015. Collection method: not provided. Allele origin: germline. Inheritance: Autosomal recessive inheritance. Affected: yes.